The following is an entry in ClinVar:

NM_001165963.4(SCN1A):c.2994del (p.Asp998fs)

Gene: SCN1A (sodium voltage-gated channel alpha subunit 1; minus strand). Cytogenetic location: 2q24.3.
Variant type: Deletion.
Coding change: c.2994del on transcript NM_001165963.4 (MANE Select); coding-DNA position 2994, one base deleted (C; older notation c.2994delC).
Protein change: p.Asp998fs; shifts the reading frame from aspartic acid 998.
Molecular consequence: frameshift variant. On other transcripts: non-coding transcript variant (1).
Genome position (GRCh38, 1-based): chr2:166,036,483, G deleted on the plus strand (C on the coding strand, the reverse complement: SCN1A is on the minus strand). VCF-style (leftmost placement, unchanged base first): chr2-166036482-TG-T. GRCh37 (hg19) VCF-style: chr2-166892992-TG-T.
Other names: c.2910del, p.Asp970fs (NM_001165964.3, NM_001353957.2, NM_001353958.2); c.2994del, p.Asp998fs (NM_001202435.3, NM_001353948.2); c.2961del, p.Asp987fs (NM_001353949.2, NM_001353950.2, NM_001353951.2 and 2 more transcripts); c.2958del, p.Asp986fs (NM_001353954.2, NM_001353955.2); c.2907del, p.Asp969fs (NM_001353960.2); c.552del, p.Asp184fs (NM_001353961.2); short protein forms D184fs, D969fs, D970fs, D986fs, D987fs, D998fs.
Identifiers: ClinVar variation 206905 (VCV000206905.3), dbSNP rs796053067, ClinGen allele CA317720.
Genomic context (GRCh38, chr2:166,036,482, plus strand): 5'-TCCTATCCACAGCAATTTGGAGATTATTCATTTCATTATCATCATCAGTGGCTGCAAGGT[TG>T]TCTGCACTAAATGAGCTCAGAAGCAAGGCCAGAAAGAGATTCAGGACCTTAAAAACAACA-3'

ClinVar aggregate classification (germline): Pathogenic. Review status: criteria provided, multiple submitters, no conflicts (2 of 4 stars). 2 submissions from 2 submitters: Pathogenic (2). Last evaluated 2025-01-22.

Conditions:
Early-infantile DEE. Also called: Ohtahara syndrome; Early infantile epileptic encephalopathy; Early infantile epileptic encephalopathy with suppression bursts. Identifiers: Orphanet 1934, MedGen C0393706, MONDO:0800491.

Submissions (2):

Labcorp Genetics (formerly Invitae), Labcorp
Classification: Pathogenic for Early-infantile DEE. Last evaluated: 2025-01-22. Review status: criteria provided, single submitter. Criteria: Invitae Variant Classification Sherloc (09022015). Collection method: clinical testing. Allele origin: germline.
Comment: This sequence change creates a premature translational stop signal (p.Asp998Glufs*12) in the SCN1A gene. It is expected to result in an absent or disrupted protein product. Loss-of-function variants in SCN1A are known to be pathogenic (PMID: 17347258, 18930999). This variant is not present in population databases (gnomAD no frequency). This premature translational stop signal has been observed in individual(s) with clinical features of SCN1A associated disorders (PMID: 29655203). ClinVar contains an entry for this variant (Variation ID: 206905). For these reasons, this variant has been classified as Pathogenic.

GeneDx
Classification: Pathogenic. Last evaluated: 2014-01-15. Review status: criteria provided, single submitter. Criteria: GeneDx Variant Classification (06012015). Collection method: clinical testing. Allele origin: germline. Affected: yes.
Comment: c.2994delC: p.Asp998GlufsX12 (D998EfsX12) in exon 16 of the SCN1A gene (NM_001165963.1). The normal sequence with the base that is deleted in braces is: CAGA{C}AACC. The c.2994delC mutation in the SCN1A gene causes a frameshift starting with codon Aspartic acid 998, changes this amino acid to a Glutamic acid residue and creates a premature Stop codon at position 12 of the new reading frame, denoted p.Asp998GlufsX12. This mutation is predicted to cause loss of normal protein function either through protein truncation or nonsense-mediated mRNA decay. Although this mutation has not been previously reported to our knowledge, its presence is consistent with a diagnosis of an SCN1A-related disorder. The variant is found in INFANT-EPI panel(s).

Literature cited by the submitters: PubMed 17347258 (cited by Labcorp Genetics (formerly Invitae), Labcorp); PubMed 18930999 (cited by Labcorp Genetics (formerly Invitae), Labcorp); PubMed 29655203 (cited by Labcorp Genetics (formerly Invitae), Labcorp).